The following is an entry in ClinVar:

NM_006852.6(TLK2):c.1568A>G (p.Glu523Gly)

Gene: TLK2 (tousled like kinase 2; plus strand). Cytogenetic location: 17q23.2.
Variant type: single nucleotide variant.
Coding change: c.1568A>G on transcript NM_006852.6 (MANE Select); coding-DNA position 1568, A replaced by G.
Protein change: p.Glu523Gly; replaces glutamic acid 523 with glycine.
Molecular consequence: missense variant.
Genome position (GRCh38, 1-based): chr17:62,600,668, A>G. VCF-style: chr17-62600668-A-G. GRCh37 (hg19) VCF-style: chr17-60678029-A-G.
Other names: c.1634A>G, p.Glu545Gly (NM_001284333.3); c.1472A>G, p.Glu491Gly (NM_001284363.1, NM_001375272.1); c.1121A>G, p.Glu374Gly (NM_001330418.3, NM_001375273.1); c.1610A>G, p.Glu537Gly (NM_001375269.1); c.1568A>G, p.Glu523Gly (NM_001375270.1, NM_001375271.1); c.1283A>G, p.Glu428Gly (NM_001411074.1); short protein forms E374G, E428G, E491G, E523G, E537G, E545G.
Identifiers: ClinVar variation 2578158 (VCV002578158.1), dbSNP rs2546014004, ClinGen allele CA400510756.
Genomic context (GRCh38, chr17:62,600,668, plus strand): 5'-TTGCTCTTATTCCATGGTTAAATATTGGTTTATTTGTCTTTAGGTTTTGTACAGTATTAG[A>G]ATACTGTGAGGGAAATGATCTGGACTTCTACCTGAAACAGCACAAATTAATGTCGGAGAA-3'
Protein context (NP_006843.2, residues 513-533): LDTDSFCTVL[Glu523Gly]YCEGNDLDFY

ClinVar aggregate classification (germline): Uncertain significance (1 of 4 stars; one submission).

Submission:

GeneDx
Classification: Uncertain significance. Last evaluated: 2023-03-01. Review status: criteria provided, single submitter. Criteria: GeneDx Variant Classification Process June 2021. Collection method: clinical testing. Allele origin: germline. Affected: yes.
Comment: Not observed at significant frequency in large population cohorts (gnomAD); In silico analysis supports that this missense variant has a deleterious effect on protein structure/function; Has not been previously published as pathogenic or benign to our knowledge